The following is an entry in ClinVar:

NM_001278293.3(ARL6):c.505G>T (p.Gly169Cys)

Gene: ARL6 (ARF like GTPase 6; plus strand). Cytogenetic location: 3q11.2.
Variant type: single nucleotide variant.
Coding change: c.505G>T on transcript NM_001278293.3 (MANE Select); coding-DNA position 505, G replaced by T.
Protein change: p.Gly169Cys; replaces glycine 169 with cysteine.
Molecular consequence: missense variant. On other transcripts: non-coding transcript variant (6), intron variant (1).
Genome position (GRCh38, 1-based): chr3:97,791,796, G>T. VCF-style: chr3-97791796-G-T. GRCh37 (hg19) VCF-style: chr3-97510640-G-T.
Other names: c.505G>T, p.Gly169Cys (NM_001323513.2, NM_032146.5, NM_177976.3); c.479+3677G>T (NM_001323514.2); short protein forms G169C.
Identifiers: ClinVar variation 1709673 (VCV001709673.3), dbSNP rs2530011116, ClinGen allele CA353589376.

ClinVar aggregate classification (germline): Conflicting classifications of pathogenicity. Review status: criteria provided, conflicting classifications (1 of 4 stars). 2 submissions from 2 submitters: Likely pathogenic (1); Uncertain significance (1). Last evaluated 2025-11-28.

Conditions:
Bardet-Biedl syndrome 3 (BBS3). Identifiers: Orphanet 110, MedGen C1859564, MONDO:0010832, OMIM 600151.

Submissions (2):

3billion
Classification: Likely pathogenic for Bardet-Biedl syndrome 3. Last evaluated: 2025-11-28. Review status: criteria provided, single submitter. Criteria: ACMG Guidelines, 2015. Collection method: clinical testing. Allele origin: germline. Affected: yes.
Comment: The variant is not observed in the gnomAD v4.1.0 dataset. Predicted Consequence/Location: Missense variant In silico tool predictions suggest damaging effect of the variant on gene or gene product [REVEL: 0.92 (>=0.6, sensitivity 0.68 and specificity 0.92); 3Cnet: 0.98 (> 0.75, sensitivity 0.96 and precision 0.92)]. The variant has been reported to co-segregate with the disease in at least one similarly affected relative/individual in the same family or similarly affected unrelated families (3billion dataset). A different missense change at the same codon (p.Gly169Ala) has been reported as pathogenic/likely pathogenic with strong evidence (ClinVar ID: VCV000002041 /PMID: 15314642). Therefore, this variant is classified as Likely pathogenic according to the recommendation of ACMG/AMP guideline.

MGZ Medical Genetics Center
Classification: Uncertain significance for Bardet-Biedl syndrome 3. Last evaluated: 2022-07-27. Review status: criteria provided, single submitter. Criteria: ACMG Guidelines, 2015. Collection method: clinical testing. Allele origin: germline. Affected: yes. Observed: 4 variant alleles.
Comment: ACMG criteria applied: PM5, PM2_SUP, PP3

Literature cited by the submitters: PubMed 15314642 (cited by 3billion).